The following is an entry in ClinVar:

ClinVar aggregate classification (germline): Uncertain significance (1 of 4 stars; one submission).

Submission:

Labcorp Genetics (formerly Invitae), Labcorp
Classification: Uncertain significance. Last evaluated: 2024-05-26. Review status: criteria provided, single submitter. Criteria: Invitae Variant Classification Sherloc (09022015). Collection method: clinical testing. Allele origin: germline.
Comment: This sequence change falls in intron 24 of the VPS13A gene. It does not directly change the encoded amino acid sequence of the VPS13A protein. It affects a nucleotide within the consensus splice site. This variant is not present in population databases (gnomAD no frequency). This variant has not been reported in the literature in individuals affected with VPS13A-related conditions. Variants that disrupt the consensus splice site are a relatively common cause of aberrant splicing (PMID: 17576681, 9536098). Algorithms developed to predict the effect of sequence changes on RNA splicing suggest that this variant may disrupt the consensus splice site. In summary, the available evidence is currently insufficient to determine the role of this variant in disease. Therefore, it has been classified as a Variant of Uncertain Significance.

Literature cited by the submitters: PubMed 17576681; PubMed 9536098.

NM_033305.3(VPS13A):c.2513-3T>G

Gene: VPS13A (vacuolar protein sorting 13 homolog A; plus strand). Cytogenetic location: 9q21.2.
Variant type: single nucleotide variant.
Coding change: c.2513-3T>G on transcript NM_033305.3 (MANE Select); 3 bases into the intron before coding-DNA position 2513, T replaced by G.
Molecular consequence: intron variant.
Genome position (GRCh38, 1-based): chr9:77,275,495, T>G. VCF-style: chr9-77275495-T-G. GRCh37 (hg19) VCF-style: chr9-79890411-T-G.
Other names: c.2513-3T>G (NM_001018037.2, NM_015186.4, NM_001018038.3).
Identifiers: ClinVar variation 3654586 (VCV003654586.2).